The following is an entry in ClinVar:

ClinVar aggregate classification (germline): Uncertain significance (1 of 4 stars; one submission).

Conditions:
Hereditary nonpolyposis colorectal neoplasms. Identifiers: MedGen C0009405, MeSH D003123.

Allele frequency attached by ClinVar (database versions not stated): gnomAD exomes below 0.00001 and 0.00001; ExAC 0.00002.
gnomAD v4.1: 3 of 1,590,544 alleles (0.00019%); highest among the groups gnomAD compares: Admixed American, 0.0052%; no homozygotes.

Submission:

Labcorp Genetics (formerly Invitae), Labcorp
Classification: Uncertain significance for Hereditary nonpolyposis colorectal neoplasms. Last evaluated: 2022-10-07. Review status: criteria provided, single submitter. Criteria: Invitae Variant Classification Sherloc (09022015). Collection method: clinical testing. Allele origin: germline.
Comment: In summary, the available evidence is currently insufficient to determine the role of this variant in disease. Therefore, it has been classified as a Variant of Uncertain Significance. Advanced modeling of protein sequence and biophysical properties (such as structural, functional, and spatial information, amino acid conservation, physicochemical variation, residue mobility, and thermodynamic stability) performed at Invitae indicates that this missense variant is expected to disrupt PMS2 protein function. ClinVar contains an entry for this variant (Variation ID: 570257). This variant has not been reported in the literature in individuals affected with PMS2-related conditions. The frequency data for this variant in the population databases (gnomAD) is considered unreliable due to the presence of homologous sequence, such as pseudogenes or paralogs, in the genome. This sequence change replaces isoleucine, which is neutral and non-polar, with threonine, which is neutral and polar, at codon 688 of the PMS2 protein (p.Ile688Thr).

NM_000535.7(PMS2):c.2063T>C (p.Ile688Thr)

Gene: PMS2 (PMS1 homolog 2, mismatch repair system component; minus strand). Cytogenetic location: 7p22.1.
Variant type: single nucleotide variant.
Coding change: c.2063T>C on transcript NM_000535.7 (MANE Select); coding-DNA position 2063, T replaced by C.
Protein change: p.Ile688Thr; replaces isoleucine 688 with threonine.
Molecular consequence: missense variant. On other transcripts: non-coding transcript variant (1).
Genome position (GRCh38, 1-based): chr7:5,982,935, A>G on the plus strand (T>C on the coding strand, the complement: PMS2 is on the minus strand). VCF-style: chr7-5982935-A-G. GRCh37 (hg19) VCF-style: chr7-6022566-A-G.
Other names: c.1658T>C, p.Ile553Thr (NM_001322003.2, NM_001322004.2, NM_001322005.2 and 1 more transcripts); c.1907T>C, p.Ile636Thr (NM_001322006.2); c.1745T>C, p.Ile582Thr (NM_001322007.2, NM_001322008.2); c.1502T>C, p.Ile501Thr (NM_001322010.2); c.1130T>C, p.Ile377Thr (NM_001322011.2, NM_001322012.2); c.1490T>C, p.Ile497Thr (NM_001322013.2); c.2063T>C, p.Ile688Thr (NM_001322014.2); c.1754T>C, p.Ile585Thr (NM_001322015.2); short protein forms I688T, I377T, I636T, I497T, I582T, I501T, I553T, I585T.
Identifiers: ClinVar variation 570257 (VCV000570257.8), dbSNP rs755241829, ClinGen allele CA046513.